The following is an entry in ClinVar:

NM_018192.4(P3H2):c.241C>T (p.Arg81Cys)

Gene: P3H2 (prolyl 3-hydroxylase 2; minus strand). Cytogenetic location: 3q28.
Variant type: single nucleotide variant.
Coding change: c.241C>T on transcript NM_018192.4 (MANE Select); coding-DNA position 241, C replaced by T.
Protein change: p.Arg81Cys; replaces arginine 81 with cysteine.
Molecular consequence: missense variant. On other transcripts: intron variant (1).
Genome position (GRCh38, 1-based): chr3:190,120,491, G>A on the plus strand (C>T on the coding strand, the complement: P3H2 is on the minus strand). VCF-style: chr3-190120491-G-A. GRCh37 (hg19) VCF-style: chr3-189838280-G-A.
Other names: c.-64+1712C>T (NM_001134418.2); short protein forms R81C.
Identifiers: ClinVar variation 1359488 (VCV001359488.6), dbSNP rs1394960957, ClinGen allele CA355859883.

ClinVar aggregate classification (germline): Uncertain significance (1 of 4 stars; one submission).

Allele frequency attached by ClinVar (database versions not stated): gnomAD exomes below 0.00001 and 0.00002; TOPMed below 0.00001.
gnomAD v4.1: 7 of 1,453,012 alleles (0.00048%); highest among the groups gnomAD compares: Admixed American, 0.005%; no homozygotes.

Submission:

Labcorp Genetics (formerly Invitae), Labcorp
Classification: Uncertain significance. Last evaluated: 2021-11-14. Review status: criteria provided, single submitter. Criteria: Invitae Variant Classification Sherloc (09022015). Collection method: clinical testing. Allele origin: germline.
Comment: Algorithms developed to predict the effect of missense changes on protein structure and function are either unavailable or do not agree on the potential impact of this missense change (SIFT: "Tolerated"; PolyPhen-2: "Probably Damaging"; Align-GVGD: "Class C0"). In summary, the available evidence is currently insufficient to determine the role of this variant in disease. Therefore, it has been classified as a Variant of Uncertain Significance. This variant has not been reported in the literature in individuals affected with P3H2-related conditions. This variant is present in population databases (no rsID available, gnomAD 0.008%). This sequence change replaces arginine, which is basic and polar, with cysteine, which is neutral and slightly polar, at codon 81 of the P3H2 protein (p.Arg81Cys).